The following is an entry in ClinVar:

ClinVar aggregate classification (germline): Uncertain significance (1 of 4 stars; one submission).

Conditions:
Familial adenomatous polyposis 1 (FAP1). Also called: FAMILIAL ADENOMATOUS POLYPOSIS 1, ATTENUATED; POLYPOSIS, ADENOMATOUS INTESTINAL. Identifiers: MedGen C2713442, MONDO:0021056, OMIM 175100. Disease mechanism: loss of function.

Submission:

Labcorp Genetics (formerly Invitae), Labcorp
Classification: Uncertain significance for Familial adenomatous polyposis 1. Last evaluated: 2024-03-20. Review status: criteria provided, single submitter. Criteria: Invitae Variant Classification Sherloc (09022015). Collection method: clinical testing. Allele origin: germline.
Comment: This variant occurs in a non-coding region of the APC gene. It does not change the encoded amino acid sequence of the APC protein. This variant is not present in population databases (gnomAD no frequency). This variant has not been reported in the literature in individuals affected with APC-related conditions. ClinVar contains an entry for this variant (Variation ID: 648228). Experimental studies and prediction algorithms are not available or were not evaluated, and the functional significance of this variant is currently unknown. In summary, the available evidence is currently insufficient to determine the role of this variant in disease. Therefore, it has been classified as a Variant of Uncertain Significance.

NC_000005.10:g.112707415C>T

Gene: APC (APC regulator of Wnt signaling pathway; plus strand). Cytogenetic location: 5q22.2.
Variant type: single nucleotide variant.
Genome position: GRCh38 VCF-style: chr5-112707415-C-T. GRCh37 (hg19) VCF-style: chr5-112043112-C-T.
Identifiers: ClinVar variation 648228 (VCV000648228.7), dbSNP rs1580995550, ClinGen allele CA915943571.